The following is an entry in ClinVar:

NM_001348716.2(KDM6B):c.3491A>G (p.Gln1164Arg)

Gene: KDM6B (lysine demethylase 6B; plus strand). Cytogenetic location: 17p13.1.
Variant type: single nucleotide variant.
Coding change: c.3491A>G on transcript NM_001348716.2 (MANE Select); coding-DNA position 3491, A replaced by G.
Protein change: p.Gln1164Arg; replaces glutamine 1164 with arginine.
Molecular consequence: missense variant.
Genome position (GRCh38, 1-based): chr17:7,849,871, A>G. VCF-style: chr17-7849871-A-G. GRCh37 (hg19) VCF-style: chr17-7753189-A-G.
Other names: c.3491A>G, p.Gln1164Arg (NM_001080424.2); short protein forms Q1164R.
Identifiers: ClinVar variation 4526230 (VCV004526230.1).
Genomic context (GRCh38, chr17:7,849,871, plus strand): 5'-CCTCCCGCAGGAATGCCAAGGTGAAAGGGAAGTTTCGAGAGTCCTACCTTTCCCCTGCCC[A>G]GTCTGTGAAACCGAAGATCAACACTGAGGAGAAGCTGCCCCGGGAAAAACTCAACCCCCC-3'
Protein context (NP_001335645.1, residues 1154-1174): KFRESYLSPA[Gln1164Arg]SVKPKINTEE

ClinVar aggregate classification (germline): Uncertain significance (1 of 4 stars; one submission).

gnomAD v4.1: 6 of 1,613,390 alleles (0.00037%); highest among the groups gnomAD compares: Admixed American, 0.0033%; no homozygotes.

Submission:

Women's Health and Genetics/Laboratory Corporation of America, LabCorp
Classification: Uncertain significance. Last evaluated: 2025-07-24. Review status: criteria provided, single submitter. Criteria: LabCorp Variant Classification Summary - May 2015. Collection method: clinical testing. Allele origin: germline.
Comment: Variant summary: KDM6B c.3491A>G (p.Gln1164Arg) results in a conservative amino acid change in the encoded protein sequence. Algorithms developed to predict the effect of missense changes on protein structure and function all suggest that this variant is likely to be tolerated. The variant allele was found at a frequency of 1.2e-05 in 251346 control chromosomes. The available data on variant occurrences in the general population are insufficient to allow any conclusion about variant significance. To our knowledge, no occurrence of c.3491A>G in individuals affected with Neurodevelopmental Disorder With Coarse Facies And Mild Distal Skeletal Abnormalities and no experimental evidence demonstrating its impact on protein function have been reported. No submitters have cited clinical-significance assessments for this variant to ClinVar. Based on the evidence outlined above, the variant was classified as uncertain significance.